The following is an entry in ClinVar:

NM_001035.3(RYR2):c.14786A>T (p.Asp4929Val)

Gene: RYR2 (ryanodine receptor 2; plus strand). Cytogenetic location: 1q43.
Variant type: single nucleotide variant.
Coding change: c.14786A>T on transcript NM_001035.3 (MANE Select); coding-DNA position 14786, A replaced by T.
Protein change: p.Asp4929Val; replaces aspartic acid 4929 with valine.
Molecular consequence: missense variant.
Genome position (GRCh38, 1-based): chr1:237,831,543, A>T. VCF-style: chr1-237831543-A-T. GRCh37 (hg19) VCF-style: chr1-237994843-A-T.
Other names: short protein forms D4929V.
Identifiers: ClinVar variation 1339306 (VCV001339306.1), dbSNP rs2102956841, ClinGen allele CA345409942.

ClinVar aggregate classification (germline): Uncertain significance (1 of 4 stars; one submission).

Submission:

Phosphorus, Inc.
Classification: Uncertain significance. Last evaluated: 2022-01-18. Review status: criteria provided, single submitter. Criteria: ACMG Guidelines, 2015. Collection method: clinical testing. Allele origin: germline. Inheritance: Autosomal dominant inheritance.
Comment: This missense variant results in an amino acid substitution of Aspartic acid with Valine at codon 4929 of the RYR2 gene (transcript: NM_001035.2). This variant does not an entry in ClinVar. This variant is very rare and has not occurred in population databases. This position is conserved. In silico functional algorithms predict this variant to be probably damaging (PolyPhen) and damaging (SIFT). However, no functional studies were performed to confirm either of those predictions. The variant has not occurred in the literature in association with disease. Considering that this is a rare variant and the available evidence is not enough to ascertain its role in disease, it has been classified as Variant of Uncertain Significance.